The following is an entry in ClinVar:

ClinVar aggregate classification (germline): Uncertain significance (1 of 4 stars; one submission).

Allele frequency attached by ClinVar (database versions not stated): 1000 Genomes Project 30x 0.00297; TOPMed 0.00361; gnomAD 0.00363; 1000 Genomes Project 0.00379.
gnomAD v4.1: 555 of 152,306 alleles (0.36%); highest among the groups gnomAD compares: Middle Eastern, 2%; 3 homozygotes.

Submission:

Greenwood Genetic Center Diagnostic Laboratories, Greenwood Genetic Center
Classification: Uncertain significance. Last evaluated: 2022-12-19. Review status: criteria provided, single submitter. Criteria: ACMG Guidelines, 2015. Collection method: clinical testing. Allele origin: germline. Affected: yes.
Comment: BP4

NM_001278716.2(FBXL4):c.1389+269G>A

Gene: FBXL4 (F-box and leucine rich repeat protein 4; minus strand). Cytogenetic location: 6q16.1.
Variant type: single nucleotide variant.
Coding change: c.1389+269G>A on transcript NM_001278716.2 (MANE Select); 269 bases into the intron after coding-DNA position 1389, G replaced by A.
Molecular consequence: intron variant.
Genome position (GRCh38, 1-based): chr6:98,880,284, C>T on the plus strand (G>A on the coding strand, the complement: FBXL4 is on the minus strand). VCF-style: chr6-98880284-C-T. GRCh37 (hg19) VCF-style: chr6-99328160-C-T.
Other names: c.1389+269G>A (NM_012160.5).
Identifiers: ClinVar variation 2429038 (VCV002429038.4), dbSNP rs117259561, ClinGen allele CA143900825.